The following is an entry in ClinVar:

NM_004333.6(BRAF):c.1141-1276T>C

Gene: BRAF (B-Raf proto-oncogene, serine/threonine kinase; minus strand). Cytogenetic location: 7q34.
Variant type: single nucleotide variant.
Coding change: c.1141-1276T>C on transcript NM_004333.6 (MANE Select); 1276 bases into the intron before coding-DNA position 1141, T replaced by C.
Molecular consequence: intron variant.
Genome position (GRCh38, 1-based): chr7:140,788,860, A>G on the plus strand (T>C on the coding strand, the complement: BRAF is on the minus strand). VCF-style: chr7-140788860-A-G. GRCh37 (hg19) VCF-style: chr7-140488660-A-G.
Other names: c.1141-1276T>C (NM_001378474.1, NM_001378468.1, NM_001354609.2 and 3 more transcripts); c.1039-1276T>C (NM_001378470.1); c.877-1276T>C (NM_001378475.1); c.1140+5448T>C (NM_001378471.1); c.1150-1276T>C (NM_001378467.1); c.985-1276T>C (NM_001378472.1, NM_001378473.1).
Identifiers: ClinVar variation 1701537 (VCV001701537.31), dbSNP rs183532604, ClinGen allele CA168095964.

ClinVar aggregate classification (germline): Benign (1 of 4 stars; one submission).

Allele frequency attached by ClinVar (database versions not stated): 1000 Genomes Project 30x 0.00047; 1000 Genomes Project 0.00060; TOPMed 0.00240; gnomAD 0.00255 and 0.00259.
gnomAD v4.1: 382 of 151,464 alleles (0.25%); highest among the groups gnomAD compares: Non-Finnish European, 0.48%; 2 homozygotes.

Submission:

CeGaT Center for Human Genetics Tuebingen
Classification: Benign. Last evaluated: 2022-07-01. Review status: criteria provided, single submitter. Criteria: CeGaT Center For Human Genetics Tuebingen Variant Classification Criteria Version 2. Collection method: clinical testing. Allele origin: germline. Affected: yes. Observed: 3 variant alleles.
Comment: BRAF: BS1, BS2